The following is an entry in ClinVar:

NM_001271938.2(MEGF8):c.8169C>T (p.Pro2723=)

Gene: MEGF8 (multiple EGF like domains 8; plus strand). Cytogenetic location: 19q13.2.
Variant type: single nucleotide variant.
Coding change: c.8169C>T on transcript NM_001271938.2 (MANE Select); coding-DNA position 8169, C replaced by T.
Protein change: p.Pro2723=; no amino-acid change (proline 2723 retained).
Molecular consequence: synonymous variant.
Genome position (GRCh38, 1-based): chr19:42,376,406, C>T. VCF-style: chr19-42376406-C-T. GRCh37 (hg19) VCF-style: chr19-42880558-C-T.
Other names: c.7968C>T, p.Pro2656= (NM_001410.3).
Identifiers: ClinVar variation 790304 (VCV000790304.30), dbSNP rs138179740, ClinGen allele CA9476336.
Genomic context (GRCh38, chr19:42,376,406, plus strand): 5'-CTTCCCACCTGACCCTACTGCCCCGGCCTCCGCCTGGAAGCCGGCTGGGCTCCCACCTCC[C>T]GCCTTCCGCCGCTCTGAGCCCTTCCTGGCACCCCTGCTGCTGACAGGGGCCGGTGGGCCC-3'
Protein context (NP_001258867.1, residues 2713-2733): SAWKPAGLPP[Pro2723=]AFRRSEPFLA

ClinVar aggregate classification (germline): Likely benign. Review status: criteria provided, multiple submitters, no conflicts (2 of 4 stars). 2 submissions from 2 submitters: Likely benign (2). Last evaluated 2025-02-26.

Conditions:
MEGF8-related Carpenter syndrome. Also called: Carpenter syndrome 2. Identifiers: Orphanet 65759, MedGen C3554247, MONDO:0013998, OMIM 614976.

Allele frequency attached by ClinVar (database versions not stated): ExAC 0.00002; gnomAD exomes 0.00003; TOPMed 0.00005; ESP Exome Variant Server 0.00008; gnomAD 0.00008 and 0.00009.
gnomAD v4.1: 109 of 1,612,694 alleles (0.0068%); highest among the groups gnomAD compares: Middle Eastern, 0.016%; no homozygotes.

Submissions (2):

Labcorp Genetics (formerly Invitae), Labcorp
Classification: Likely benign for MEGF8-related Carpenter syndrome. Last evaluated: 2025-02-26. Review status: criteria provided, single submitter. Criteria: Invitae Variant Classification Sherloc (09022015). Collection method: clinical testing. Allele origin: germline.

CeGaT Center for Human Genetics Tuebingen
Classification: Likely benign. Last evaluated: 2022-03-01. Review status: criteria provided, single submitter. Criteria: CeGaT Center For Human Genetics Tuebingen Variant Classification Criteria Version 2. Collection method: clinical testing. Allele origin: germline. Affected: yes. Observed: 1 variant allele.
Comment: MEGF8: BP4, BP7